The following is an entry in ClinVar:

NM_006258.4(PRKG1):c.575G>A (p.Arg192Gln)

Gene: PRKG1 (protein kinase cGMP-dependent 1; plus strand). Cytogenetic location: 10q21.1.
Variant type: single nucleotide variant.
Coding change: c.575G>A on transcript NM_006258.4 (MANE Select); coding-DNA position 575, G replaced by A.
Protein change: p.Arg192Gln; replaces arginine 192 with glutamine.
Molecular consequence: missense variant.
Genome position (GRCh38, 1-based): chr10:51,467,819, G>A. VCF-style: chr10-51467819-G-A. GRCh37 (hg19) VCF-style: chr10-53227579-G-A.
Other names: c.530G>A, p.Arg177Gln (LRG_1135t2, NM_001098512.3); c.575G>A, p.Arg192Gln (LRG_1135t1); short protein forms R177Q, R192Q.
Identifiers: ClinVar variation 65477 (VCV000065477.22), dbSNP rs397515330, ClinGen allele CA144806.

ClinVar aggregate classification (germline): Pathogenic. Review status: criteria provided, multiple submitters, no conflicts (2 of 4 stars). 8 submissions from 8 submitters: Pathogenic (7). 1 of the submissions does not count toward it. Last evaluated 2025-10-25.

Conditions:
Aortic aneurysm, familial thoracic 8 (AAT8). Identifiers: MedGen C3809513, MONDO:0014187, OMIM 615436.
Familial thoracic aortic aneurysm and aortic dissection (TAAD). Also called: Thoracic aortic aneurysms and dissections. Identifiers: Orphanet 91387, MedGen C4707243, MONDO:0019625.

Allele frequency attached by ClinVar (database versions not stated): gnomAD exomes below 0.00001.
gnomAD v4.1: 1 of 1,611,902 alleles (0.000062%); highest among the groups gnomAD compares: Admixed American, 0.0017%; no homozygotes.

Submissions (8):

Labcorp Genetics (formerly Invitae), Labcorp
Classification: Pathogenic for Aortic aneurysm, familial thoracic 8. Last evaluated: 2025-10-25. Review status: criteria provided, single submitter. Criteria: Invitae Variant Classification Sherloc (09022015). Collection method: clinical testing. Allele origin: germline.
Comment: This sequence change replaces arginine, which is basic and polar, with glutamine, which is neutral and polar, at codon 192 of the PRKG1 protein (p.Arg192Gln). This variant is not present in population databases (gnomAD no frequency). This missense change has been observed in individual(s) with thoracic aortic aneurysms and acute aortic dissection (PMID: 23910461, 27442293). It has also been observed to segregate with disease in related individuals. This variant is also known as c.530G>A (p.Arg177Gln). ClinVar contains an entry for this variant (Variation ID: 65477). An algorithm developed to predict the effect of missense changes on protein structure and function (PolyPhen-2) suggests that this variant is likely to be disruptive. Experimental studies have shown that this missense change affects PRKG1 function (PMID: 23910461). For these reasons, this variant has been classified as Pathogenic.

Centre of Medical Genetics, University of Antwerp
Classification: Pathogenic for Familial thoracic aortic aneurysm and aortic dissection. Last evaluated: 2024-09-06. Review status: criteria provided, single submitter. Criteria: ACMG Guidelines, 2015. Collection method: clinical testing. Allele origin: germline. Affected: yes.
Comment: P(PM2; PP3, 5)

Clinical Genetics Laboratory, Skane University Hospital Lund
Classification: Pathogenic. Last evaluated: 2024-01-03. Review status: criteria provided, single submitter. Criteria: ACMG Guidelines, 2015. Collection method: clinical testing. Allele origin: germline. Affected: yes.

Ambry Genetics
Classification: Pathogenic for Familial thoracic aortic aneurysm and aortic dissection. Last evaluated: 2022-05-02. Review status: criteria provided, single submitter. Criteria: Ambry Variant Classification Scheme 2023. Collection method: clinical testing. Allele origin: germline.
Comment: The p.R192Q pathogenic mutation (also known as c.575G>A and p.R177Q), located in coding exon 3 of the PRKG1 gene, results from a G to A substitution at nucleotide position 575. The arginine at codon 192 is replaced by glutamine, an amino acid with highly similar properties. This mutation (described as p.R177Q) was shown to segregate with aortic disease in four families; cell functional studies suggested that the alteration affected cGMP binding and resulted in a kinase whose activity is no longer modulated by cGMP, thereby resulting in a gain-of-function effect (Guo DC et al, Am. J. Hum. Genet. 2013 Aug; 93:398-404). This alteration, again referred to as p.R177Q, has also been reported in additional individuals and another large family affected with aortic disease (Gago-D&iacute;az M. Eur. J. Clin. Invest. 2016 Sep;46:787-94; Hicks KL et al. J Vasc Surg, 2018 09;68:701-711; Overwater E et al. Hum Mutat, 2018 09;39:1173-1192). This variant is considered to be rare based on population cohorts in the Genome Aggregation Database (gnomAD). In addition, this alteration is predicted to be deleterious by in silico analysis. Based on the supporting evidence, this alteration is interpreted as a disease-causing mutation.

GeneDx
Classification: Pathogenic. Last evaluated: 2021-11-08. Review status: criteria provided, single submitter. Criteria: GeneDx Variant Classification Process June 2021. Collection method: clinical testing. Allele origin: germline. Affected: yes.
Comment: Observed in patients with TAAD referred for genetic testing at GeneDx and in the published literature (Guo et al., 2013; Gago-Diaz et al., 2016; Overwater et al., 2018; Wolford et al., 2019; Shalhub et al., 2019); Not observed at significant frequency in large population cohorts (Lek et al., 2016); In silico analysis supports that this missense variant has a deleterious effect on protein structure/function; Published functional studies demonstrated a gain-of-function effect in which p.(R192Q) led to a constitutively active type I cGMP-dependent protein kinase, causing decreased phosphorylation of the myosin regulatory light chain in fibroblasts and thereby decreased contraction of vascular smooth muscle cells (Guo et al., 2013; Chan et al., 2020); Reported in ClinVar as a pathogenic variant (ClinVar Variant ID# 65477; Landrum et al., 2016); Also known as R177Q; This variant is associated with the following publications: (PMID: 31211624, 23910461, 27442293, 29907982, 27879251, 29510914, 32506052, 30871887)

Laboratory for Molecular Medicine, Mass General Brigham Personalized Medicine
Classification: Pathogenic for Familial thoracic aortic aneurysm and aortic dissection. Last evaluated: 2019-03-20. Review status: criteria provided, single submitter. Criteria: ACMG Guidelines, 2015. Collection method: clinical testing. Allele origin: germline. Inheritance: Autosomal dominant inheritance.
Comment: The p.Arg192Gln (referred to as p.Arg177Gln) variant in PRKG1 has been reported in 6 individuals with thoracic aortic disease and segregated with disease in 22 affected individuals from 5 families (Guo 2103, Gago-Diaz 2016, Overwated 2018) and in ClinVar (Variation ID 65477). It was absent from large population studies. Computational prediction tools and conservation analysis suggest that this variant may impact the protein, though this information is not predictive enough to determine pathogenicity. In vitro functional studies support an impact on protein function, suggesting gain of function is the mechanism of disease (Guo 2013). In summary, this variant meets criteria to be classified as pathogenic for autosomal dominant thoracic aortic disease. ACMG/AMP Criteria applied: PS4, PP1_Strong, PM2, PP3, PS3_Supporting.

Department of Internal Medicine, University of Texas Health Science Center at Houston
Classification: Pathogenic for Aortic aneurysm, familial thoracic 8. Last evaluated: 2014-01-17. Review status: criteria provided, single submitter. Criteria: Submitter's publication. Collection method: research. Allele origin: germline. Affected: yes.

OMIM
Classification: Pathogenic for AORTIC ANEURYSM, FAMILIAL THORACIC 8. Last evaluated: 2013-08-08. Review status: no assertion criteria provided. Collection method: literature only. Allele origin: germline. Not counted in ClinVar's aggregate classification.

Literature cited by the submitters: PubMed 23910461 (cited by 4 submitters); PubMed 27442293 (cited by 3 submitters); PubMed 27879251 (cited by Ambry Genetics); PubMed 29510914 (cited by Ambry Genetics); PubMed 29907982 (cited by Ambry Genetics and Laboratory for Molecular Medicine, Mass General Brigham Personalized Medicine); PubMed 16646045 (cited by OMIM).